The following is an entry in ClinVar:

ClinVar aggregate classification (germline): Pathogenic (1 of 4 stars; one submission).

Submission:

Labcorp Genetics (formerly Invitae), Labcorp
Classification: Pathogenic. Last evaluated: 2023-03-28. Review status: criteria provided, single submitter. Criteria: Invitae Variant Classification Sherloc (09022015). Collection method: clinical testing. Allele origin: germline.
Comment: Algorithms developed to predict the effect of sequence changes on RNA splicing suggest that this variant may create or strengthen a splice site. For these reasons, this variant has been classified as Pathogenic. This variant has not been reported in the literature in individuals affected with SLC12A6-related conditions. This variant is not present in population databases (gnomAD no frequency). This sequence change creates a premature translational stop signal (p.Gly336Alafs*5) in the SLC12A6 gene. It is expected to result in an absent or disrupted protein product. Loss-of-function variants in SLC12A6 are known to be pathogenic (PMID: 12368912, 16606917).

Literature cited by the submitters: PubMed 12368912; PubMed 16606917.

NM_001365088.1(SLC12A6):c.1007del (p.Gly336fs)

Gene: SLC12A6 (solute carrier family 12 member 6; minus strand). Cytogenetic location: 15q14.
Variant type: Deletion.
Coding change: c.1007del on transcript NM_001365088.1 (MANE Select); coding-DNA position 1007, one base deleted (G; older notation c.1007delG).
Protein change: p.Gly336fs; shifts the reading frame from glycine 336.
Molecular consequence: frameshift variant.
Genome position (GRCh38, 1-based): chr15:34,254,459, C deleted on the plus strand (G on the coding strand, the reverse complement: SLC12A6 is on the minus strand); the first of 2 consecutive C bases (chr15:34,254,459-34,254,460); deleting either gives the same sequence. VCF-style (leftmost placement, unchanged base first): chr15-34254458-GC-G. GRCh37 (hg19) VCF-style: chr15-34546659-GC-G.
Other names: c.830del, p.Gly277fs (NM_001042494.2, NM_001042495.2); c.980del, p.Gly327fs (NM_001042496.2); c.962del, p.Gly321fs (NM_001042497.2); c.854del, p.Gly285fs (NM_005135.2); c.1007del, p.Gly336fs (NM_133647.2); short protein forms G336fs, G277fs, G321fs, G285fs, G327fs.
Identifiers: ClinVar variation 2874849 (VCV002874849.3), dbSNP rs2509816869, ClinGen allele CA2739279071.
Genomic context (GRCh38, chr15:34,254,458, plus strand): 5'-CAAGATGGACACAATGACACAGGCCAGGAAAAGTGAGGCAAACTTGTTCACATAGCGTAC[GC>G]CGATAAATACCACTAATACCATAAGGACCAAGAAAGCTGTGCCGTAGACACGCATGTTAT-3'